The following is an entry in ClinVar:

ClinVar aggregate classification (germline): Pathogenic. Review status: criteria provided, multiple submitters, no conflicts (2 of 4 stars). 2 submissions from 2 submitters: Pathogenic (2). Last evaluated 2025-02-17.

Conditions:
Bardet-Biedl syndrome (BBS). Identifiers: Orphanet 110, MedGen C0752166, MONDO:0015229.
Sarcotubular myopathy (LGMDR8). Also called: Limb-girdle muscular dystrophy, type 2H; Autosomal recessive limb-girdle muscular dystrophy type 2H; MUSCULAR DYSTROPHY, LIMB-GIRDLE, AUTOSOMAL RECESSIVE 8; Hutterite type of muscular dystrophy. Identifiers: Orphanet 1878, MedGen C0270968, MONDO:0009683, OMIM 254110.

Allele frequency attached by ClinVar (database versions not stated): gnomAD exomes below 0.00001; ExAC 0.00001.
gnomAD v4.1: 2 of 1,614,202 alleles (0.00012%); highest among the groups gnomAD compares: Admixed American, 0.0017%; no homozygotes.

Submissions (2):

Labcorp Genetics (formerly Invitae), Labcorp
Classification: Pathogenic for Bardet-Biedl syndrome. Last evaluated: 2025-02-17. Review status: criteria provided, single submitter. Criteria: Invitae Variant Classification Sherloc (09022015). Collection method: clinical testing. Allele origin: germline.
Comment: This sequence change creates a premature translational stop signal (p.Lys401*) in the TRIM32 gene. While this is not anticipated to result in nonsense mediated decay, it is expected to disrupt the last 253 amino acid(s) of the TRIM32 protein. This variant is present in population databases (rs747266069, gnomAD 0.003%). This premature translational stop signal has been observed in individual(s) with unexplained proximal muscle weakness (PMID: 29921608). ClinVar contains an entry for this variant (Variation ID: 802505). This variant disrupts a region of the TRIM32 protein in which other variant(s) (p.Val591Met) have been determined to be pathogenic (PMID: 30823891). This suggests that this is a clinically significant region of the protein, and that variants that disrupt it are likely to be disease-causing. For these reasons, this variant has been classified as Pathogenic.

Mendelics
Classification: Pathogenic for Sarcotubular myopathy. Last evaluated: 2019-05-28. Review status: criteria provided, single submitter. Criteria: Mendelics Assertion Criteria 2017. Collection method: clinical testing. Allele origin: unknown.

Literature cited by the submitters: PubMed 29921608 (cited by Labcorp Genetics (formerly Invitae), Labcorp); PubMed 30823891 (cited by Labcorp Genetics (formerly Invitae), Labcorp).

NM_012210.4(TRIM32):c.1201A>T (p.Lys401Ter)

Genes: ASTN2 (astrotactin 2; minus strand), TRIM32 (tripartite motif containing 32; plus strand). Cytogenetic location: 9q33.1.
Variant type: single nucleotide variant.
Coding change: c.1201A>T on transcript NM_012210.4 (MANE Select); coding-DNA position 1201, A replaced by T.
Protein change: p.Lys401Ter; replaces lysine 401 with a stop codon.
Molecular consequence: nonsense. On other transcripts: intron variant (3).
Genome position (GRCh38, 1-based): chr9:116,698,943, A>T. VCF-style: chr9-116698943-A-T. GRCh37 (hg19) VCF-style: chr9-119461222-A-T.
Other names: c.1201A>T, p.Lys401Ter (NM_001099679.2, NM_001379048.1, NM_001379049.1 and 1 more transcripts); c.2653+26828T>A (NM_014010.5); c.2794+26828T>A (NM_001365069.1); c.2806+26828T>A (NM_001365068.1); short protein forms K401*.
Identifiers: ClinVar variation 802505 (VCV000802505.3), dbSNP rs747266069, ClinGen allele CA5211119.